The following is an entry in ClinVar:

ClinVar aggregate classification (germline): Uncertain significance (1 of 4 stars; one submission).

Conditions:
CHARGE syndrome (CHARGE). Also called: Coloboma, heart anomaly, choanal atresia, retardation, genital and ear anomalies; CHARGE association; Hall-Hittner syndrome; Hittner Hirsch Kreh syndrome; CHARGE ASSOCIATION--COLOBOMA, HEART ANOMALY, CHOANAL ATRESIA, RETARDATION, GENITAL AND EAR ANOMALIES. Identifiers: Orphanet 138, MedGen C0265354, MONDO:0008965.

Allele frequency attached by ClinVar (database versions not stated): gnomAD exomes below 0.00001.
gnomAD v4.1: 5 of 1,613,644 alleles (0.00031%); highest among the groups gnomAD compares: Non-Finnish European, 0.00042%; no homozygotes.

Submission:

Labcorp Genetics (formerly Invitae), Labcorp
Classification: Uncertain significance for CHARGE syndrome. Last evaluated: 2022-07-08. Review status: criteria provided, single submitter. Criteria: Invitae Variant Classification Sherloc (09022015). Collection method: clinical testing. Allele origin: germline.
Comment: ClinVar contains an entry for this variant (Variation ID: 1486079). This sequence change replaces tyrosine, which is neutral and polar, with histidine, which is basic and polar, at codon 118 of the SEMA3E protein (p.Tyr118His). This variant is present in population databases (no rsID available, gnomAD 0.0009%). This variant has not been reported in the literature in individuals affected with SEMA3E-related conditions. Algorithms developed to predict the effect of missense changes on protein structure and function are either unavailable or do not agree on the potential impact of this missense change (SIFT: "Deleterious"; PolyPhen-2: "Possibly Damaging"; Align-GVGD: "Class C0"). In summary, the available evidence is currently insufficient to determine the role of this variant in disease. Therefore, it has been classified as a Variant of Uncertain Significance.

NM_012431.3(SEMA3E):c.352T>C (p.Tyr118His)

Gene: SEMA3E (semaphorin 3E; minus strand). Cytogenetic location: 7q21.11.
Variant type: single nucleotide variant.
Coding change: c.352T>C on transcript NM_012431.3 (MANE Select); coding-DNA position 352, T replaced by C.
Protein change: p.Tyr118His; replaces tyrosine 118 with histidine.
Molecular consequence: missense variant.
Genome position (GRCh38, 1-based): chr7:83,466,586, A>G on the plus strand (T>C on the coding strand, the complement: SEMA3E is on the minus strand). VCF-style: chr7-83466586-A-G. GRCh37 (hg19) VCF-style: chr7-83095902-A-G.
Other names: c.172T>C, p.Tyr58His (NM_001178129.2); short protein forms Y118H, Y58H.
Identifiers: ClinVar variation 1486079 (VCV001486079.8), dbSNP rs1419581021, ClinGen allele CA367935777.
Genomic context (GRCh38, chr7:83,466,586, plus strand): 5'-AAGCTCCAGTACCACAGGTCAGAAGGTGTGTCCTGTTATAGTGATGCAAAACCCGAACAT[A>G]ATTTGCACATTCACCCTAAAGCAGGAAAAAAAGGGAAGGAATCTATCAGTATAATAAACA-3'
Protein context (NP_036563.1, residues 108-128): KGKDAGECAN[Tyr118His]VRVLHHYNRT